The following is an entry in ClinVar:

NM_004946.3(DOCK2):c.1486G>A (p.Ala496Thr)

Gene: DOCK2 (dedicator of cytokinesis 2; plus strand). Cytogenetic location: 5q35.1.
Variant type: single nucleotide variant.
Coding change: c.1486G>A on transcript NM_004946.3 (MANE Select); coding-DNA position 1486, G replaced by A.
Protein change: p.Ala496Thr; replaces alanine 496 with threonine.
Molecular consequence: missense variant. On other transcripts: non-coding transcript variant (1).
Genome position (GRCh38, 1-based): chr5:169,711,938, G>A. VCF-style: chr5-169711938-G-A. GRCh37 (hg19) VCF-style: chr5-169138942-G-A.
Other names: c.1486G>A, p.Ala496Thr (LRG_1227t1); short protein forms A496T.
Identifiers: ClinVar variation 647379 (VCV000647379.7), dbSNP rs371391395, ClinGen allele CA3553496.

ClinVar aggregate classification (germline): Uncertain significance. Review status: criteria provided, multiple submitters, no conflicts (2 of 4 stars). 2 submissions from 2 submitters: Uncertain significance (2). Last evaluated 2023-12-21.

Conditions:
DOCK2 deficiency. Also called: Immunodeficiency 40. Identifiers: Orphanet 447737, MedGen C4225328, MONDO:0014637, OMIM 616433.
Inborn genetic diseases. Identifiers: MedGen C0950123, MeSH D030342.

Allele frequency attached by ClinVar (database versions not stated): gnomAD exomes 0.00002 and 0.00003; ExAC 0.00003; TOPMed 0.00012; gnomAD 0.00014 and 0.00016; ESP Exome Variant Server 0.00015.
gnomAD v4.1: 52 of 1,613,926 alleles (0.0032%); highest among the groups gnomAD compares: African/African-American, 0.045%; no homozygotes.

Submissions (2):

Ambry Genetics
Classification: Uncertain significance for Inborn genetic diseases. Last evaluated: 2023-12-21. Review status: criteria provided, single submitter. Criteria: Ambry Variant Classification Scheme 2023. Collection method: clinical testing. Allele origin: germline.

Labcorp Genetics (formerly Invitae), Labcorp
Classification: Uncertain significance for DOCK2 deficiency. Last evaluated: 2023-07-17. Review status: criteria provided, single submitter. Criteria: Invitae Variant Classification Sherloc (09022015). Collection method: clinical testing. Allele origin: germline.
Comment: This sequence change replaces alanine, which is neutral and non-polar, with threonine, which is neutral and polar, at codon 496 of the DOCK2 protein (p.Ala496Thr). This variant is present in population databases (rs371391395, gnomAD 0.04%). This variant has not been reported in the literature in individuals affected with DOCK2-related conditions. ClinVar contains an entry for this variant (Variation ID: 647379). An algorithm developed to predict the effect of missense changes on protein structure and function (PolyPhen-2) suggests that this variant¬†is likely to be tolerated. In summary, the available evidence is currently insufficient to determine the role of this variant in disease. Therefore, it has been classified as a Variant of Uncertain Significance.